The following is an entry in ClinVar:

NM_001844.5(COL2A1):c.1377dup (p.Ile460fs)

Gene: COL2A1 (collagen type II alpha 1 chain; minus strand). Cytogenetic location: 12q13.11.
Variant type: Duplication.
Coding change: c.1377dup on transcript NM_001844.5 (MANE Select); coding-DNA position 1377, one base duplicated (T; older notation c.1377dupT).
Protein change: p.Ile460fs; shifts the reading frame from isoleucine 460.
Molecular consequence: frameshift variant.
Genome position (GRCh38, 1-based): chr12:47,986,877, A duplicated on the plus strand (T on the coding strand, the reverse complement: COL2A1 is on the minus strand). VCF-style (leftmost placement, unchanged base first): chr12-47986876-T-TA. GRCh37 (hg19) VCF-style: chr12-48380659-T-TA.
Other names: c.1170dup, p.Ile391fs (NM_033150.3); short protein forms I391fs, I460fs.
Identifiers: ClinVar variation 1452467 (VCV001452467.6), dbSNP rs2136574184, ClinGen allele CA2573148634.

ClinVar aggregate classification (germline): Pathogenic (1 of 4 stars; one submission).

Submission:

Labcorp Genetics (formerly Invitae), Labcorp
Classification: Pathogenic. Last evaluated: 2021-04-23. Review status: criteria provided, single submitter. Criteria: Invitae Variant Classification Sherloc (09022015). Collection method: clinical testing. Allele origin: germline.
Comment: For these reasons, this variant has been classified as Pathogenic. This variant has not been reported in the literature in individuals with COL2A1-related conditions. This variant is not present in population databases (ExAC no frequency). This sequence change creates a premature translational stop signal (p.Ile460Tyrfs*7) in the COL2A1 gene. It is expected to result in an absent or disrupted protein product. Loss-of-function variants in COL2A1 are known to be pathogenic (PMID: 20179744).

Literature cited by the submitters: PubMed 20179744.